The following is an entry in ClinVar:

NM_024700.4(SNIP1):c.388C>G (p.Gln130Glu)

Genes: SNIP1 (Smad nuclear interacting protein 1; minus strand), LOC126805704 (BRD4-independent group 4 enhancer GRCh37_chr1:38005292-38006491; plus strand). Cytogenetic location: 1p34.3.
Variant type: single nucleotide variant.
Coding change: c.388C>G on transcript NM_024700.4 (MANE Select); coding-DNA position 388, C replaced by G.
Protein change: p.Gln130Glu; replaces glutamine 130 with glutamic acid.
Molecular consequence: missense variant.
Genome position (GRCh38, 1-based): chr1:37,540,695, G>C on the plus strand (C>G on the coding strand, the complement: SNIP1 is on the minus strand). VCF-style: chr1-37540695-G-C. GRCh37 (hg19) VCF-style: chr1-38006296-G-C.
Other names: short protein forms Q130E.
Identifiers: ClinVar variation 3630894 (VCV003630894.2).
Genomic context (GRCh38, chr1:37,540,695, plus strand): 5'-TTTGGTGGGAATGGCCCCGGTGTCTGTCCCGGTCACTGTTCCTAGCTCTCCTGTGTTCCT[G>C]TTCTGATGGTTCCCTGTGCTGCCGATCCTCCCGTCCTCTCCGGGGATGATCCTCACGCTC-3'
Protein context (NP_078976.2, residues 120-140): EDRQHREPSE[Gln130Glu]EHRRARNSDR

ClinVar aggregate classification (germline): Uncertain significance (1 of 4 stars; one submission).

Submission:

Labcorp Genetics (formerly Invitae), Labcorp
Classification: Uncertain significance. Last evaluated: 2024-03-10. Review status: criteria provided, single submitter. Criteria: Invitae Variant Classification Sherloc (09022015). Collection method: clinical testing. Allele origin: germline.
Comment: This sequence change replaces glutamine, which is neutral and polar, with glutamic acid, which is acidic and polar, at codon 130 of the SNIP1 protein (p.Gln130Glu). This variant is not present in population databases (gnomAD no frequency). This variant has not been reported in the literature in individuals affected with SNIP1-related conditions. Advanced modeling of protein sequence and biophysical properties (such as structural, functional, and spatial information, amino acid conservation, physicochemical variation, residue mobility, and thermodynamic stability) performed at Invitae indicates that this missense variant is not expected to disrupt SNIP1 protein function with a negative predictive value of 80%. In summary, the available evidence is currently insufficient to determine the role of this variant in disease. Therefore, it has been classified as a Variant of Uncertain Significance.